The following is an entry in ClinVar:

NM_001353921.2(ARHGEF9):c.1225A>G (p.Ile409Val)

Gene: ARHGEF9 (Cdc42 guanine nucleotide exchange factor 9; minus strand). Cytogenetic location: Xq11.1.
Variant type: single nucleotide variant.
Coding change: c.1225A>G on transcript NM_001353921.2 (MANE Select); coding-DNA position 1225, A replaced by G.
Protein change: p.Ile409Val; replaces isoleucine 409 with valine.
Molecular consequence: missense variant. On other transcripts: intron variant (2).
Genome position (GRCh38, 1-based): chrX:63,655,590, T>C on the plus strand (A>G on the coding strand, the complement: ARHGEF9 is on the minus strand). VCF-style: chrX-63655590-T-C. GRCh37 (hg19) VCF-style: chrX-62875470-T-C.
Other names: c.1045A>G, p.Ile349Val (NM_001173479.2); c.898A>G, p.Ile300Val (NM_001173480.2, NM_001369042.1); c.1141A>G, p.Ile381Val (NM_001330495.2, NM_001369033.1, NM_001369034.1 and 4 more transcripts); c.1093A>G, p.Ile365Val (NM_001353922.2); c.1243A>G, p.Ile415Val (NM_001353923.1); c.1024A>G, p.Ile342Val (NM_001353924.2, NM_001353926.2, NM_001369039.1 and 1 more transcripts); c.1009A>G, p.Ile337Val (NM_001353927.2, NM_001369041.1); c.1072A>G, p.Ile358Val (NM_001353928.2); and 3 more; short protein forms I402V, I349V, I365V, I220V, I342V, I409V, I300V, I337V.
Identifiers: ClinVar variation 465075 (VCV000465075.40), dbSNP rs56110425, ClinGen allele CA10431854.
Genomic context (GRCh38, chrX:63,655,590, plus strand): 5'-CTCTGAAAGCCCTGAGCCAGCGTATTTTTTCCTCCAGCTTCTTGGCAAAGAACAGATGTA[T>C]CTCCTCAGTCTCCTTGTTGTGAAGCTTAAAGGCATTCTTCATGCTGACATTGAAGTCATC-3'
Protein context (NP_001340850.1, residues 399-419): FKLHNKETEE[Ile409Val]HLFFAKKLEE

ClinVar aggregate classification (germline): Likely benign. Review status: criteria provided, multiple submitters, no conflicts (2 of 4 stars). 5 submissions from 5 submitters: Likely benign (4). 1 of the submissions does not count toward it. Last evaluated 2026-01-19.

Conditions:
ARHGEF9-related disorder. Also called: ARHGEF9-related condition.
Developmental and epileptic encephalopathy, 8 (DEE8). Also called: HYPEREKPLEXIA AND EPILEPSY. Identifiers: Orphanet 163985, Orphanet 2076, MedGen C1845102, MONDO:0010375, OMIM 300607.

Allele frequency attached by ClinVar (database versions not stated): ESP Exome Variant Server 0.00009; gnomAD exomes 0.00014 and 0.00030; gnomAD 0.00016 and 0.00017; TOPMed 0.00022; ExAC 0.00033.

Submissions (6):

Labcorp Genetics (formerly Invitae), Labcorp
Classification: Likely benign for Developmental and epileptic encephalopathy, 8. Last evaluated: 2026-01-19. Review status: criteria provided, single submitter. Criteria: Invitae Variant Classification Sherloc (09022015). Collection method: clinical testing. Allele origin: germline.

ARUP Laboratories, Molecular Genetics and Genomics, ARUP Laboratories
Classification: Likely benign for Developmental and epileptic encephalopathy, 8. Last evaluated: 2025-02-06. Review status: criteria provided, single submitter. Criteria: ARUP Molecular Germline Variant Investigation Process 2024. Collection method: clinical testing. Allele origin: germline.

CeGaT Center for Human Genetics Tuebingen
Classification: Likely benign. Last evaluated: 2023-02-01. Review status: criteria provided, single submitter. Criteria: CeGaT Center For Human Genetics Tuebingen Variant Classification Criteria Version 2. Collection method: clinical testing. Allele origin: germline. Affected: yes. Observed: 1 variant allele.
Comment: ARHGEF9: BS2

Fulgent Genetics
Classification: Likely benign for Developmental and epileptic encephalopathy, 8. Last evaluated: 2021-09-01. Review status: criteria provided, single submitter. Criteria: ACMG Guidelines, 2015. Collection method: clinical testing. Allele origin: unknown.

PreventionGenetics, part of Exact Sciences
Classification: Likely benign for ARHGEF9-related condition. Last evaluated: 2023-05-10. Review status: no assertion criteria provided. Collection method: clinical testing. Allele origin: germline. Not counted in ClinVar's aggregate classification.
Comment: This variant is classified as likely benign based on ACMG/AMP sequence variant interpretation guidelines (Richards et al. 2015 PMID: 25741868, with internal and published modifications).

Dr. Peter K. Rogan Lab, Western University
No classification provided (evidence only). Condition: Thyroid cancer, nonmedullary, 1. Review status: no classification provided. Collection method: in vitro. Allele origin: not applicable. Functional consequence: retained intron. Not counted in ClinVar's aggregate classification.